The following is an entry in ClinVar:

NM_015046.7(SETX):c.2205A>T (p.Gly735=)

Gene: SETX (senataxin; minus strand). Cytogenetic location: 9q34.13.
Variant type: single nucleotide variant.
Coding change: c.2205A>T on transcript NM_015046.7 (MANE Select); coding-DNA position 2205, A replaced by T.
Protein change: p.Gly735=; no amino-acid change (glycine 735 retained).
Molecular consequence: synonymous variant.
Genome position (GRCh38, 1-based): chr9:132,329,393, T>A on the plus strand (A>T on the coding strand, the complement: SETX is on the minus strand). VCF-style: chr9-132329393-T-A. GRCh37 (hg19) VCF-style: chr9-135204780-T-A.
Other names: c.2205A>T, p.Gly735= (NM_001351527.2, NM_001351528.2).
Identifiers: ClinVar variation 4682407 (VCV004682407.1).

ClinVar aggregate classification (germline): Likely benign (1 of 4 stars; one submission).

gnomAD v4.1: 10 of 1,613,926 alleles (0.00062%); highest among the groups gnomAD compares: Non-Finnish European, 0.00085%; no homozygotes.

Submission:

Athena Diagnostics
Classification: Likely benign. Last evaluated: 2025-06-12. Review status: criteria provided, single submitter. Criteria: Athena Diagnostics Criteria. Collection method: clinical testing. Allele origin: unknown.
Comment: Computational tools yielded predictions that this variant is unlikely to have an effect on normal RNA splicing. This nucleotide position exhibits low evolutionary conservation.